The following is an entry in ClinVar:

ClinVar aggregate classification (germline): Uncertain significance (1 of 4 stars; one submission).

Conditions:
Short QT syndrome 7 (SQT7). Identifiers: MedGen C5774304, MONDO:0859368, OMIM 620231.

Allele frequency attached by ClinVar (database versions not stated): gnomAD exomes below 0.00001.
gnomAD v4.1: 2 of 1,560,356 alleles (0.00013%); highest among the groups gnomAD compares: Non-Finnish European, 0.00017%; no homozygotes.

Submission:

Victorian Clinical Genetics Services, Murdoch Childrens Research Institute
Classification: Uncertain significance for Short QT syndrome 7. Last evaluated: 2023-12-21. Review status: criteria provided, single submitter. Criteria: ACMG Guidelines, 2015. Collection method: clinical testing. Allele origin: germline. Inheritance: Autosomal dominant inheritance. Affected: yes.
Comment: Based on the classification scheme VCGS_Germline_v1.3.4, this variant is classified as VUS-3B. Following criteria are met: 0102 - Loss of function is a known mechanism of disease in this gene and is associated with short QT syndrome 7 (MIM#620231; PMIDs: 29167417, 36806574). (I) 0107 - This gene is associated with autosomal dominant disease. (I) 0200 - Variant is predicted to result in a missense amino acid change from aspartic acid to asparagine. (I) 0251 - This variant is heterozygous. (I) 0301 - Variant is absent from gnomAD (both v2 and v3). (SP) 0503 - Missense variant consistently predicted to be tolerated by multiple in silico tools or not conserved in placental mammals with a minor amino acid change. (SB) 0600 - Variant is located in the annotated band 3 cytoplasmic domain (DECIPHER). (I) 0705 - No comparable missense variants have previous evidence for pathogenicity. (I) 0807 - This variant has no previous evidence of pathogenicity. (I) 0905 - No published segregation evidence has been identified for this variant. (I) 1007 - No published functional evidence has been identified for this variant. (I) 1208 - Inheritance information for this variant is not currently available in this individual. (I) Legend: (SP) - Supporting pathogenic, (I) - Information, (SB) - Supporting benign

Literature cited by the submitters: PubMed 29167417; PubMed 36806574.

NM_005070.4(SLC4A3):c.1486G>A (p.Asp496Asn)

Gene: SLC4A3 (solute carrier family 4 member 3; plus strand). Cytogenetic location: 2q35.
Variant type: single nucleotide variant.
Coding change: c.1486G>A on transcript NM_005070.4 (MANE Select); coding-DNA position 1486, G replaced by A.
Protein change: p.Asp496Asn; replaces aspartic acid 496 with asparagine.
Molecular consequence: missense variant. On other transcripts: non-coding transcript variant (1).
Genome position (GRCh38, 1-based): chr2:219,633,904, G>A. VCF-style: chr2-219633904-G-A. GRCh37 (hg19) VCF-style: chr2-220498626-G-A.
Other names: c.1567G>A, p.Asp523Asn (NM_001326559.2, NM_201574.3); short protein forms D496N, D523N.
Identifiers: ClinVar variation 3255062 (VCV003255062.1), dbSNP rs2469291387.